The following is an entry in ClinVar:

NM_000430.4(PAFAH1B1):c.305dup (p.Tyr102Ter)

Gene: PAFAH1B1 (platelet activating factor acetylhydrolase 1b regulatory subunit 1; plus strand). Cytogenetic location: 17p13.3.
Variant type: Duplication.
Coding change: c.305dup on transcript NM_000430.4 (MANE Select); coding-DNA position 305, one base duplicated (A; older notation c.305dupA).
Protein change: p.Tyr102Ter; replaces tyrosine 102 with a stop codon.
Molecular consequence: nonsense.
Genome position (GRCh38, 1-based): chr17:2,667,104, A duplicated. VCF-style (leftmost placement, unchanged base first): chr17-2667103-T-TA. GRCh37 (hg19) VCF-style: chr17-2570397-T-TA.
Other names: short protein forms Y102*.
Identifiers: ClinVar variation 159513 (VCV000159513.8), dbSNP rs587784259, ClinGen allele CA272397.

ClinVar aggregate classification (germline): Pathogenic (0 of 4 stars; one submission).

Conditions:
Lissencephaly due to LIS1 mutation (LIS1). Also called: PAFAH1B1-Associated Lissencephaly/Subcortical Band Heterotopia; PAFAH1B1-Related Lissencephaly/Subcortical Band Heterotopia; Isolated Lissencephaly Sequence. Identifiers: Orphanet 95232, MedGen C4749301, MONDO:0011830, OMIM 607432.

Submission:

Genetic Services Laboratory, University of Chicago
Classification: Pathogenic for Lissencephaly due to LIS1 mutation. Last evaluated: 2014-03-24. Review status: no assertion criteria provided. Collection method: clinical testing. Allele origin: germline. Affected: yes.
Comment: DNA sequence analysis of the PAFAH1B1 (LIS1) gene demonstrated a one base pair duplication in exon 5, c.305dup. This duplication interrupts the reading frame prematurely: codon Tyr102 is replaced by a stop codon, p.Tyr102*. This pathogenic sequence change is predicted to result in an abnormal transcript, which may be degraded, or may lead to the production of a truncated PAFAH1B1 protein with potentially abnormal function.